The following is an entry in ClinVar:

ClinVar aggregate classification (germline): Uncertain significance (1 of 4 stars; one submission).

Submission:

Labcorp Genetics (formerly Invitae), Labcorp
Classification: Uncertain significance. Last evaluated: 2025-08-29. Review status: criteria provided, single submitter. Criteria: Invitae Variant Classification Sherloc (09022015). Collection method: clinical testing. Allele origin: germline.
Comment: This sequence change replaces phenylalanine, which is neutral and non-polar, with leucine, which is neutral and non-polar, at codon 96 of the FH protein (p.Phe96Leu). This variant is not present in population databases (gnomAD no frequency). This variant has not been reported in the literature in individuals affected with FH-related conditions. ClinVar contains an entry for this variant (Variation ID: 3719270). Invitae Evidence Modeling of protein sequence and biophysical properties (such as structural, functional, and spatial information, amino acid conservation, physicochemical variation, residue mobility, and thermodynamic stability) indicates that this missense variant is not expected to disrupt FH protein function with a negative predictive value of 80%. In summary, the available evidence is currently insufficient to determine the role of this variant in disease. Therefore, it has been classified as a Variant of Uncertain Significance.

NM_000143.4(FH):c.286T>C (p.Phe96Leu)

Gene: FH (fumarate hydratase; minus strand). Cytogenetic location: 1q43.
Variant type: single nucleotide variant.
Coding change: c.286T>C on transcript NM_000143.4 (MANE Select); coding-DNA position 286, T replaced by C.
Protein change: p.Phe96Leu; replaces phenylalanine 96 with leucine.
Molecular consequence: missense variant.
Genome position (GRCh38, 1-based): chr1:241,513,695, A>G on the plus strand (T>C on the coding strand, the complement: FH is on the minus strand). VCF-style: chr1-241513695-A-G. GRCh37 (hg19) VCF-style: chr1-241676995-A-G.
Other names: short protein forms F96L.
Identifiers: ClinVar variation 3719270 (VCV003719270.2).